The following is an entry in ClinVar:

ClinVar aggregate classification (germline): Benign. Review status: criteria provided, multiple submitters, no conflicts (2 of 4 stars). 4 submissions from 4 submitters: Benign (4). Last evaluated 2026-01-25.

Conditions:
Upshaw-Schulman syndrome (TTP). Also called: Congenital thrombotic thrombocytopenic purpura; THROMBOTIC THROMBOCYTOPENIC PURPURA, HEREDITARY. Identifiers: Orphanet 93583, MedGen C1268935, MONDO:0010122, OMIM 274150.

Allele frequency attached by ClinVar (database versions not stated): gnomAD exomes 0.00072 and 0.00195; ExAC 0.00441; 1000 Genomes Project 0.00579; 1000 Genomes Project 30x 0.00640; gnomAD 0.00768 and 0.00832; ESP Exome Variant Server 0.00798; TOPMed 0.00876.
gnomAD v4.1: 2,240 of 1,557,228 alleles (0.14%); highest among the groups gnomAD compares: African/African-American, 2.5%; 28 homozygotes.

Submissions (4):

Labcorp Genetics (formerly Invitae), Labcorp
Classification: Benign. Last evaluated: 2026-01-25. Review status: criteria provided, single submitter. Criteria: Invitae Variant Classification Sherloc (09022015). Collection method: clinical testing. Allele origin: germline.

Mayo Clinic Laboratories, Mayo Clinic
Classification: Benign. Last evaluated: 2025-05-29. Review status: criteria provided, single submitter. Criteria: ACMG Guidelines, 2015. Collection method: clinical testing. Allele origin: germline. Observed: 55 variant alleles.
Comment: BS1, BS2, BS3_supporting, BP4

Illumina Laboratory Services, Illumina
Classification: Benign for Upshaw-Schulman syndrome. Last evaluated: 2017-04-27. Review status: criteria provided, single submitter. Criteria: ICSL Variant Classification Criteria 13 December 2019. Collection method: clinical testing. Allele origin: germline.
Comment: This variant was observed as part of a predisposition screen in an ostensibly healthy population. A literature search was performed for the gene, cDNA change, and amino acid change (where applicable). No publications were found based on this search. Allele frequency data from public databases was too high to be consistent with this variant causing disease. Therefore, this variant is classified as benign.

Breakthrough Genomics
Classification: Benign. Review status: criteria provided, single submitter. Criteria: ACMG Guidelines, 2015. Collection method: not provided. Allele origin: germline. Inheritance: Autosomal recessive inheritance. Affected: yes.

Literature cited by the submitters: PubMed 29554699 (cited by Mayo Clinic Laboratories, Mayo Clinic).

NM_139027.6(ADAMTS13):c.1022C>T (p.Pro341Leu)

Gene: ADAMTS13 (ADAM metallopeptidase with thrombospondin type 1 motif 13; plus strand). Cytogenetic location: 9q34.2.
Variant type: single nucleotide variant.
Coding change: c.1022C>T on transcript NM_139027.6 (MANE Select); coding-DNA position 1022, C replaced by T.
Protein change: p.Pro341Leu; replaces proline 341 with leucine.
Molecular consequence: missense variant. On other transcripts: non-coding transcript variant (1).
Genome position (GRCh38, 1-based): chr9:133,432,622, C>T. VCF-style: chr9-133432622-C-T. GRCh37 (hg19) VCF-style: chr9-136297743-C-T.
Other names: p.Pro341Leu; c.1022C>T, p.Pro341Leu (NM_139025.5); c.929C>T, p.Pro310Leu (NM_139026.6); short protein forms P310L, P341L.
Identifiers: ClinVar variation 714444 (VCV000714444.14), dbSNP rs115943536, ClinGen allele CA200926499.